The following is an entry in ClinVar:

ClinVar aggregate classification (germline): Conflicting classifications of pathogenicity. Review status: criteria provided, conflicting classifications (1 of 4 stars). 3 submissions from 3 submitters: Uncertain significance (1); Likely benign (2). Last evaluated 2026-01-20.

Conditions:
Interstitial lung disease due to ABCA3 deficiency. Also called: PULMONARY ALVEOLAR PROTEINOSIS, CONGENITAL, 3. Identifiers: Orphanet 440402, MedGen C1970456, MONDO:0012582, OMIM 610921.

Allele frequency attached by ClinVar (database versions not stated): ExAC 0.00029; gnomAD 0.00029 and 0.00030; gnomAD exomes 0.00029; TOPMed 0.00030; ESP Exome Variant Server 0.00054.
gnomAD v4.1: 693 of 1,613,852 alleles (0.043%); highest among the groups gnomAD compares: Non-Finnish European, 0.055%; no homozygotes.

Submissions (3):

Labcorp Genetics (formerly Invitae), Labcorp
Classification: Likely benign. Last evaluated: 2026-01-20. Review status: criteria provided, single submitter. Criteria: Invitae Variant Classification Sherloc (09022015). Collection method: clinical testing. Allele origin: germline.

CeGaT Center for Human Genetics Tuebingen
Classification: Likely benign. Last evaluated: 2022-07-01. Review status: criteria provided, single submitter. Criteria: CeGaT Center For Human Genetics Tuebingen Variant Classification Criteria Version 2. Collection method: clinical testing. Allele origin: germline. Affected: yes. Observed: 1 variant allele.
Comment: ABCA3: BP4, BP7

Illumina Laboratory Services, Illumina
Classification: Uncertain significance for Interstitial lung disease due to ABCA3 deficiency. Last evaluated: 2018-01-13. Review status: criteria provided, single submitter. Criteria: ICSL Variant Classification Criteria 13 December 2019. Collection method: clinical testing. Allele origin: germline.

NM_001089.3(ABCA3):c.3231C>T (p.Phe1077=)

Gene: ABCA3 (ATP binding cassette subfamily A member 3; minus strand). Cytogenetic location: 16p13.3.
Variant type: single nucleotide variant.
Coding change: c.3231C>T on transcript NM_001089.3 (MANE Select); coding-DNA position 3231, C replaced by T.
Protein change: p.Phe1077=; no amino-acid change (phenylalanine 1077 retained).
Molecular consequence: synonymous variant.
Genome position (GRCh38, 1-based): chr16:2,286,741, G>A on the plus strand (C>T on the coding strand, the complement: ABCA3 is on the minus strand). VCF-style: chr16-2286741-G-A. GRCh37 (hg19) VCF-style: chr16-2336742-G-A.
Identifiers: ClinVar variation 885446 (VCV000885446.38), dbSNP rs143240655, ClinGen allele CA7840573.